The following is an entry in ClinVar:

NM_001395002.1(MAP4K4):c.1471G>C (p.Ala491Pro)

Gene: MAP4K4 (mitogen-activated protein kinase kinase kinase kinase 4; plus strand). Cytogenetic location: 2q11.2.
Variant type: single nucleotide variant.
Coding change: c.1471G>C on transcript NM_001395002.1 (MANE Select); coding-DNA position 1471, G replaced by C.
Protein change: p.Ala491Pro; replaces alanine 491 with proline.
Molecular consequence: missense variant. On other transcripts: non-coding transcript variant (3), intron variant (2).
Genome position (GRCh38, 1-based): chr2:101,859,071, G>C. VCF-style: chr2-101859071-G-C. GRCh37 (hg19) VCF-style: chr2-102475533-G-C.
Other names: c.1471G>C, p.Ala491Pro (NM_001242559.2, NM_001242560.2, NM_001384476.1 and 27 more transcripts); c.1444G>C, p.Ala482Pro (NM_001384558.1, NM_001384559.1, NM_001384560.1 and 15 more transcripts); c.1396-572G>C (NM_001384548.1); c.1369-572G>C (NM_001384550.1); short protein forms A482P, A491P.
Identifiers: ClinVar variation 4103554 (VCV004103554.2).
Genomic context (GRCh38, chr2:101,859,071, plus strand): 5'-CAGCTAGAAGAGGAGCAGCGGCACTTGGAAGTCCTTCAGCAGCAGCTGCTCCAGGAGCAG[G>C]CCATGTTACTGGTAAAGCCCCGCCTCTGTTTCATTCTGTAGCATCAGGGCTCCTTCATCC-3'
Protein context (NP_001381931.1, residues 481-501): VLQQQLLQEQ[Ala491Pro]MLLECRWREM

ClinVar aggregate classification (germline): Uncertain significance. Review status: criteria provided, multiple submitters, no conflicts (2 of 4 stars). 2 submissions from 2 submitters: Uncertain significance (2). Last evaluated 2025-07-12.

Conditions:
Inborn genetic diseases. Identifiers: MedGen C0950123, MeSH D030342.

Submissions (2):

Ambry Genetics
Classification: Uncertain significance for Inborn genetic diseases. Last evaluated: 2025-07-12. Review status: criteria provided, single submitter. Criteria: Ambry Variant Classification Scheme 2023. Collection method: clinical testing. Allele origin: germline.

GeneDx
Classification: Uncertain significance. Last evaluated: 2025-06-10. Review status: criteria provided, single submitter. Criteria: GeneDx Variant Classification Process June 2021. Collection method: clinical testing. Allele origin: germline. Affected: yes.
Comment: Not observed at significant frequency in large population cohorts (gnomAD); In silico analysis supports that this missense variant has a deleterious effect on protein structure/function; Has not been previously published as pathogenic or benign to our knowledge